The following is an entry in ClinVar:

NM_198576.4(AGRN):c.3220G>A (p.Asp1074Asn)

Gene: AGRN (agrin; plus strand). Cytogenetic location: 1p36.33.
Variant type: single nucleotide variant.
Coding change: c.3220G>A on transcript NM_198576.4 (MANE Select); coding-DNA position 3220, G replaced by A.
Protein change: p.Asp1074Asn; replaces aspartic acid 1074 with asparagine.
Molecular consequence: missense variant.
Genome position (GRCh38, 1-based): chr1:1,046,705, G>A. VCF-style: chr1-1046705-G-A. GRCh37 (hg19) VCF-style: chr1-982085-G-A.
Other names: c.3220G>A, p.Asp1074Asn (NM_001305275.2); c.2905G>A, p.Asp969Asn (NM_001364727.2); short protein forms D1074N, D969N.
Identifiers: ClinVar variation 858836 (VCV000858836.9), dbSNP rs1645106250, ClinGen allele CA337847824.
Genomic context (GRCh38, chr1:1,046,705, plus strand): 5'-GCGTCCGCCTTTGGTGAATCTGGCAGCACTGATGGAAGCAGCGATGAGGAACTGAGCGGG[G>A]ACCAGGAGGCCAGTGGGGGTGGCTCTGGGGGTGAGCAGGGATCAAGGACTTGGGGTGGGT-3'
Protein context (NP_940978.2, residues 1064-1084): DGSSDEELSG[Asp1074Asn]QEASGGGSGG

ClinVar aggregate classification (germline): Uncertain significance (1 of 4 stars; one submission).

Conditions:
Congenital myasthenic syndrome 8. Also called: MYASTHENIC SYNDROME, CONGENITAL, DUE TO AGRIN DEFICIENCY; Myasthenic syndrome, congenital, 8, with pre- and postsynaptic defects. Identifiers: Orphanet 590, MedGen C3808739, MONDO:0014052, OMIM 615120.

Allele frequency attached by ClinVar (database versions not stated): gnomAD exomes below 0.00001; TOPMed below 0.00001.
gnomAD v4.1: 1 of 1,582,656 alleles (0.000063%); highest among the groups gnomAD compares: Middle Eastern, 0.017%; no homozygotes.

Submission:

Labcorp Genetics (formerly Invitae), Labcorp
Classification: Uncertain significance for Congenital myasthenic syndrome 8. Last evaluated: 2019-11-27. Review status: criteria provided, single submitter. Criteria: Invitae Variant Classification Sherloc (09022015). Collection method: clinical testing. Allele origin: germline.
Comment: In summary, the available evidence is currently insufficient to determine the role of this variant in disease. Therefore, it has been classified as a Variant of Uncertain Significance. This sequence change replaces aspartic acid with asparagine at codon 1074 of the AGRN protein (p.Asp1074Asn). The aspartic acid residue is highly conserved and there is a small physicochemical difference between aspartic acid and asparagine. This variant is not present in population databases (ExAC no frequency). This variant has not been reported in the literature in individuals with AGRN-related conditions. Algorithms developed to predict the effect of missense changes on protein structure and function (SIFT, PolyPhen-2, Align-GVGD) all suggest that this variant is likely to be tolerated, but these predictions have not been confirmed by published functional studies and their clinical significance is uncertain.